The following is an entry in ClinVar:

NM_000070.3(CAPN3):c.1029+3A>G

Gene: CAPN3 (calpain 3; plus strand). Cytogenetic location: 15q15.1.
Variant type: single nucleotide variant.
Coding change: c.1029+3A>G on transcript NM_000070.3 (MANE Select); 3 bases into the intron after coding-DNA position 1029, A replaced by G.
Molecular consequence: intron variant.
Genome position (GRCh38, 1-based): chr15:42,392,725, A>G. VCF-style: chr15-42392725-A-G. GRCh37 (hg19) VCF-style: chr15-42684923-A-G.
Other names: p.?; c.1029+3A>G (NM_024344.2); c.885+3A>G (NM_173087.2).
Identifiers: ClinVar variation 92404 (VCV000092404.28), dbSNP rs28364442, ClinGen allele CA145716.

ClinVar aggregate classification (germline): Benign/Likely benign. Review status: criteria provided, multiple submitters, no conflicts (2 of 4 stars). 10 submissions from 10 submitters: Benign (6); Likely benign (2). 2 of the submissions do not count toward it. Last evaluated 2026-02-02.

Conditions:
Autosomal recessive limb-girdle muscular dystrophy type 2A (LGMDR1). Also called: Muscular dystrophy, limb-girdle, type 2A, Amish; Limb-girdle muscular dystrophy, type 2A; Calpainopathy; LEYDEN-MOEBIUS MUSCULAR DYSTROPHY; MUSCULAR DYSTROPHY, PELVOFEMORAL. Identifiers: Orphanet 267, MedGen C1869123, MONDO:0009675, OMIM 253600. Disease mechanism: loss of function.

Allele frequency attached by ClinVar (database versions not stated): gnomAD exomes 0.00275 and 0.00764; ExAC 0.00984; gnomAD 0.03073 and 0.03285; TOPMed 0.03424; ESP Exome Variant Server 0.03437; 1000 Genomes Project 0.03914; 1000 Genomes Project 30x 0.04154.
gnomAD v4.1: 8,864 of 1,613,098 alleles (0.55%); highest among the groups gnomAD compares: African/African-American, 11%; 436 homozygotes.

Submissions (10):

Labcorp Genetics (formerly Invitae), Labcorp
Classification: Benign for Autosomal recessive limb-girdle muscular dystrophy type 2A. Last evaluated: 2026-02-02. Review status: criteria provided, single submitter. Criteria: Invitae Variant Classification Sherloc (09022015). Collection method: clinical testing. Allele origin: germline.

Mayo Clinic Laboratories, Mayo Clinic
Classification: Benign. Last evaluated: 2018-04-04. Review status: criteria provided, single submitter. Criteria: ACMG Guidelines, 2015. Collection method: clinical testing. Allele origin: germline. Observed: 20 variant alleles.

Center for Pediatric Genomic Medicine, Children's Mercy Hospital and Clinics
Classification: Likely benign. Last evaluated: 2017-04-27. Review status: criteria provided, single submitter. Criteria: ACMG Guidelines, 2015. Collection method: clinical testing. Allele origin: germline.

Illumina Laboratory Services, Illumina
Classification: Likely benign for Limb-girdle muscular dystrophy, type 2A. Last evaluated: 2017-04-27. Review status: criteria provided, single submitter. Criteria: ICSL Variant Classification Criteria 13 December 2019. Collection method: clinical testing. Allele origin: germline.
Comment: This variant was observed as part of a predisposition screen in an ostensibly healthy population. A literature search was performed for the gene, cDNA change, and amino acid change (where applicable). No publications were found based on this search. Allele frequency data from public databases allowed determination this variant is unlikely to cause disease. Therefore, this variant is classified as likely benign.

Athena Diagnostics
Classification: Benign. Last evaluated: 2017-04-12. Review status: criteria provided, single submitter. Criteria: Athena Diagnostics Criteria. Collection method: clinical testing. Allele origin: germline.

GeneDx
Classification: Benign. Last evaluated: 2016-02-11. Review status: criteria provided, single submitter. Criteria: GeneDx Variant Classification (06012015). Collection method: clinical testing. Allele origin: germline. Affected: yes.
Comment: This variant is considered likely benign or benign based on one or more of the following criteria: it is a conservative change, it occurs at a poorly conserved position in the protein, it is predicted to be benign by multiple in silico algorithms, and/or has population frequency not consistent with disease.

Eurofins Ntd Llc (ga)
Classification: Benign. Last evaluated: 2012-08-24. Review status: criteria provided, single submitter. Criteria: EGL Classification Definitions 2015. Collection method: clinical testing. Allele origin: germline. Observed: 5 variant alleles, 4 heterozygotes, 1 homozygote.

PreventionGenetics, part of Exact Sciences
Classification: Benign. Review status: criteria provided, single submitter. Criteria: ACMG Guidelines, 2015. Collection method: clinical testing. Allele origin: germline.

Natera, Inc.
Classification: Benign for Limb-girdle muscular dystrophy type 2A. Last evaluated: 2019-10-25. Review status: no assertion criteria provided. Collection method: clinical testing. Allele origin: germline. Not counted in ClinVar's aggregate classification.

Genetic Services Laboratory, University of Chicago
Classification: Likely benign for AllHighlyPenetrant. Review status: no assertion criteria provided. Collection method: clinical testing. Allele origin: germline. Inheritance: Autosomal recessive inheritance. Not counted in ClinVar's aggregate classification.
Comment: Likely benign based on allele frequency in 1000 Genomes Project or ESP global frequency and its presence in a patient with a rare or unrelated disease phenotype. NOT Sanger confirmed.

Literature cited by the submitters: PubMed 16650086 (cited by Athena Diagnostics).